The following is an entry in ClinVar:

ClinVar aggregate classification (germline): Uncertain significance (1 of 4 stars; one submission).

Conditions:
Inborn genetic diseases. Identifiers: MedGen C0950123, MeSH D030342.

Submission:

Ambry Genetics
Classification: Uncertain significance for Inborn genetic diseases. Last evaluated: 2021-06-15. Review status: criteria provided, single submitter. Criteria: Ambry Variant Classification Scheme 2023. Collection method: clinical testing. Allele origin: germline.
Comment: The p.E2512K variant (also known as c.7534G>A), located in coding exon 51 of the LRRK2 gene, results from a G to A substitution at nucleotide position 7534. The glutamic acid at codon 2512 is replaced by lysine, an amino acid with similar properties. This amino acid position is conserved. In addition, the in silico prediction for this alteration is inconclusive. Since supporting evidence is limited at this time, the clinical significance of this alteration remains unclear.

NM_198578.4(LRRK2):c.7534G>A (p.Glu2512Lys)

Gene: LRRK2 (leucine rich repeat kinase 2; plus strand). Cytogenetic location: 12q12.
Variant type: single nucleotide variant.
Coding change: c.7534G>A on transcript NM_198578.4 (MANE Select); coding-DNA position 7534, G replaced by A.
Protein change: p.Glu2512Lys; replaces glutamic acid 2512 with lysine.
Molecular consequence: missense variant.
Genome position (GRCh38, 1-based): chr12:40,367,715, G>A. VCF-style: chr12-40367715-G-A. GRCh37 (hg19) VCF-style: chr12-40761517-G-A.
Other names: short protein forms E2512K.
Identifiers: ClinVar variation 1759396 (VCV001759396.2), dbSNP rs2500066214, ClinGen allele CA384416176.